The following is an entry in ClinVar:

ClinVar aggregate classification (germline): Uncertain significance (1 of 4 stars; one submission).

Allele frequency attached by ClinVar (database versions not stated): gnomAD exomes below 0.00001.
gnomAD v4.1: 1 of 1,614,068 alleles (0.000062%); highest among the groups gnomAD compares: African/African-American, 0.0013%; no homozygotes.

Submission:

Labcorp Genetics (formerly Invitae), Labcorp
Classification: Uncertain significance. Last evaluated: 2025-07-06. Review status: criteria provided, single submitter. Criteria: Invitae Variant Classification Sherloc (09022015). Collection method: clinical testing. Allele origin: germline.
Comment: This sequence change replaces alanine, which is neutral and non-polar, with serine, which is neutral and polar, at codon 331 of the STN1 protein (p.Ala331Ser). This variant is not present in population databases (gnomAD no frequency). This variant has not been reported in the literature in individuals affected with STN1-related conditions. ClinVar contains an entry for this variant (Variation ID: 1016588). Invitae Evidence Modeling of protein sequence and biophysical properties (such as structural, functional, and spatial information, amino acid conservation, physicochemical variation, residue mobility, and thermodynamic stability) indicates that this missense variant is expected to disrupt STN1 protein function with a positive predictive value of 80%. In summary, the available evidence is currently insufficient to determine the role of this variant in disease. Therefore, it has been classified as a Variant of Uncertain Significance.

NM_024928.5(STN1):c.991G>T (p.Ala331Ser)

Gene: STN1 (STN1 subunit of CST complex; minus strand). Cytogenetic location: 10q24.33.
Variant type: single nucleotide variant.
Coding change: c.991G>T on transcript NM_024928.5 (MANE Select); coding-DNA position 991, G replaced by T.
Protein change: p.Ala331Ser; replaces alanine 331 with serine.
Molecular consequence: missense variant.
Genome position (GRCh38, 1-based): chr10:103,882,800, C>A on the plus strand (G>T on the coding strand, the complement: STN1 is on the minus strand). VCF-style: chr10-103882800-C-A. GRCh37 (hg19) VCF-style: chr10-105642558-C-A.
Other names: short protein forms A331S.
Identifiers: ClinVar variation 1016588 (VCV001016588.7), dbSNP rs1564910318, ClinGen allele CA378042801.